The following is an entry in ClinVar:

ClinVar aggregate classification (germline): Likely pathogenic (1 of 4 stars; one submission).

Conditions:
Sitosterolemia (STSL). Also called: PHYTOSTEROLEMIA. Identifiers: Orphanet 2882, MedGen C0342907, MONDO:0008863.

gnomAD v4.1: 1 of 1,614,026 alleles (0.000062%); highest among the groups gnomAD compares: South Asian, 0.0011%; no homozygotes.

Submission:

Labcorp Genetics (formerly Invitae), Labcorp
Classification: Likely pathogenic for Sitosterolemia. Last evaluated: 2020-07-20. Review status: criteria provided, single submitter. Criteria: Invitae Variant Classification Sherloc (09022015). Collection method: clinical testing. Allele origin: germline.
Comment: In summary, the currently available evidence indicates that the variant is pathogenic, but additional data are needed to prove that conclusively. Therefore, this variant has been classified as Likely Pathogenic. Donor and acceptor splice site variants typically lead to a loss of protein function (PMID: 16199547), and loss-of-function variants in ABCG5 are known to be pathogenic (PMID: 11138003, 25665839). Algorithms developed to predict the effect of sequence changes on RNA splicing suggest that this variant may disrupt the consensus splice site, but this prediction has not been confirmed by published transcriptional studies. This variant has not been reported in the literature in individuals with ABCG5-related conditions. This variant is not present in population databases (ExAC no frequency). This sequence change affects a donor splice site in intron 5 of the ABCG5 gene. It is expected to disrupt RNA splicing and likely results in an absent or disrupted protein product.

Literature cited by the submitters: PubMed 16199547; PubMed 11138003; PubMed 25665839.

NM_022436.3(ABCG5):c.634+1G>A

Genes: ABCG5 (ATP binding cassette subfamily G member 5; minus strand), DYNC2LI1 (dynein cytoplasmic 2 light intermediate chain 1; plus strand). Cytogenetic location: 2p21.
Variant type: single nucleotide variant.
Coding change: c.634+1G>A on transcript NM_022436.3 (MANE Select); the canonical splice donor site of the intron after coding-DNA position 634, G replaced by A.
Molecular consequence: splice donor variant. On other transcripts: 3 prime UTR variant (2).
Genome position (GRCh38, 1-based): chr2:43,827,982, C>T on the plus strand (G>A on the coding strand, the complement: ABCG5 is on the minus strand). VCF-style: chr2-43827982-C-T. GRCh37 (hg19) VCF-style: chr2-44055121-C-T.
Other names: c.*612C>T (NM_001348912.2, NM_001348913.2).
Identifiers: ClinVar variation 1068115 (VCV001068115.7), dbSNP rs370368811, ClinGen allele CA346667338.